The following is an entry in ClinVar:

ClinVar aggregate classification (germline): Likely benign. Review status: criteria provided, single submitter (1 of 4 stars). 2 submissions from 2 submitters: Likely benign (1). 1 of the submissions does not count toward it. Last evaluated 2024-11-21.

Conditions:
ZNF668-related disorder. Also called: ZNF668-related condition.

Allele frequency attached by ClinVar (database versions not stated): ESP Exome Variant Server 0.00031; ExAC 0.00132; gnomAD 0.00146; TOPMed 0.00149; 1000 Genomes Project 0.00260; 1000 Genomes Project 30x 0.00265.
gnomAD v4.1: 1,656 of 1,612,962 alleles (0.1%); highest among the groups gnomAD compares: East Asian, 2.1%; 19 homozygotes.

Submissions (2):

Blueprint Genetics
Classification: Likely benign. Last evaluated: 2024-11-21. Review status: criteria provided, single submitter. Criteria: ACMG Guidelines, 2015. Collection method: clinical testing. Allele origin: germline.

PreventionGenetics, part of Exact Sciences
Classification: Likely benign for ZNF668-related condition. Last evaluated: 2019-03-08. Review status: no assertion criteria provided. Collection method: clinical testing. Allele origin: germline. Not counted in ClinVar's aggregate classification.
Comment: This variant is classified as likely benign based on ACMG/AMP sequence variant interpretation guidelines (Richards et al. 2015 PMID: 25741868, with internal and published modifications).

NM_024706.5(ZNF668):c.1041G>A (p.Ala347=)

Gene: ZNF668 (zinc finger protein 668; minus strand). Cytogenetic location: 16p11.2.
Variant type: single nucleotide variant.
Coding change: c.1041G>A on transcript NM_024706.5 (MANE Select); coding-DNA position 1041, G replaced by A.
Protein change: p.Ala347=; no amino-acid change (alanine 347 retained).
Molecular consequence: synonymous variant.
Genome position (GRCh38, 1-based): chr16:31,061,887, C>T on the plus strand (G>A on the coding strand, the complement: ZNF668 is on the minus strand). VCF-style: chr16-31061887-C-T. GRCh37 (hg19) VCF-style: chr16-31073208-C-T.
Other names: c.1041G>A, p.Ala347= (NM_001172668.2, NM_001172670.2); c.1110G>A, p.Ala370= (NM_001172669.2).
Identifiers: ClinVar variation 3043623 (VCV003043623.3), dbSNP rs2288003, ClinGen allele CA8019081.